The following is an entry in ClinVar:

ClinVar aggregate classification (germline): Pathogenic. Review status: criteria provided, multiple submitters, no conflicts (2 of 4 stars). 10 submissions from 10 submitters: Pathogenic (7). 3 of the submissions do not count toward it. Last evaluated 2025-07-16.

Conditions:
MPZ-related disorder. Also called: MPZ-related condition; MPZ-related disorders.
Inborn genetic diseases. Identifiers: MedGen C0950123, MeSH D030342.
Charcot-Marie-Tooth disease. Also called: Charcot-Marie-Tooth Neuropathy; Charcot-Marie-Tooth Hereditary Neuropathy. Identifiers: Orphanet 166, MedGen C0007959, MONDO:0015626.
Charcot-Marie-Tooth disease, type I (CMT1). Also called: Charcot-Marie-Tooth, Type 1; Charcot-Marie-Tooth disease type 1. Identifiers: Orphanet 65753, MedGen C0751036, MONDO:0019011.
Charcot-Marie-Tooth disease type 1B. Also called: HEREDITARY MOTOR AND SENSORY NEUROPATHY I; HEREDITARY MOTOR AND SENSORY NEUROPATHY IB; CHARCOT-MARIE-TOOTH DISEASE, AUTOSOMAL DOMINANT, WITH FOCALLY FOLDED MYELIN SHEATHS, TYPE 1B; CHARCOT-MARIE-TOOTH DISEASE, SLOW NERVE CONDUCTION TYPE, LINKED TO DUFFY; CHARCOT-MARIE-TOOTH NEUROPATHY, TYPE 1B; Charcot-Marie-Tooth disease, demyelinating, type 1b. Identifiers: Orphanet 101082, MedGen C0270912, MONDO:0007307, OMIM 118200.
Charcot-Marie-Tooth disease type 2I (CMT2I). Also called: CHARCOT-MARIE-TOOTH DISEASE, AXONAL, TYPE 2I. Identifiers: Orphanet 99942, MedGen C3888087, MONDO:0011889, OMIM 607677.

Submissions (10):

GeneDx
Classification: Pathogenic. Last evaluated: 2025-07-16. Review status: criteria provided, single submitter. Criteria: GeneDx Variant Classification Process June 2021. Collection method: clinical testing. Allele origin: germline. Affected: yes.
Comment: Reported in patients with adult-onset Charcot Marie Tooth disease and neuropathy in published literature (PMID: 32376792, 36203352, 28286897, 38839277, 21149811); Published functional studies demonstrate a damaging effect: attenuated cell adhesiveness (PMID: 20461396); Not observed at significant frequency in large population cohorts (gnomAD); Missense variants in this gene are a common cause of disease and they are underrepresented in the general population; In silico analysis supports that this missense variant has a deleterious effect on protein structure/function; This variant is associated with the following publications: (PMID: 27639257, 9595994, 29687021, 20461396, 26310628, 28286897, 32376792, 36203352, 38839277, 21149811)

Labcorp Genetics (formerly Invitae), Labcorp
Classification: Pathogenic for Charcot-Marie-Tooth disease, type I. Last evaluated: 2024-10-03. Review status: criteria provided, single submitter. Criteria: Invitae Variant Classification Sherloc (09022015). Collection method: clinical testing. Allele origin: germline.
Comment: This sequence change replaces serine, which is neutral and polar, with phenylalanine, which is neutral and non-polar, at codon 44 of the MPZ protein (p.Ser44Phe). This variant is not present in population databases (gnomAD no frequency). This missense change has been observed in individuals with Charcot-Marie-Tooth disease (CMT) (PMID: 9595994, 21149811, 26310628, 27639257, 28286897). It has also been observed to segregate with disease in related individuals. Invitae Evidence Modeling of clinical and family history, age, sex, and reported ancestry of multiple individuals with this MPZ variant has been performed. This variant is expected to be pathogenic with a positive predictive value of at least 99%. This is a validated machine learning model that incorporates the clinical features of 11,906 individuals referred to our laboratory for MPZ testing. ClinVar contains an entry for this variant (Variation ID: 14185). Invitae Evidence Modeling of protein sequence and biophysical properties (such as structural, functional, and spatial information, amino acid conservation, physicochemical variation, residue mobility, and thermodynamic stability) indicates that this missense variant is expected to disrupt MPZ protein function with a positive predictive value of 80%. Experimental studies have shown that this missense change affects MPZ function (PMID: 20461396). For these reasons, this variant has been classified as Pathogenic.

Blueprint Genetics
Classification: Pathogenic for MPZ-related disorders. Last evaluated: 2024-06-25. Review status: criteria provided, single submitter. Criteria: ACMG Guidelines, 2015. Collection method: clinical testing. Allele origin: germline. Affected: yes. Observed: 1 variant allele.

Ambry Genetics
Classification: Pathogenic for Inborn genetic diseases. Last evaluated: 2020-11-16. Review status: criteria provided, single submitter. Criteria: Ambry Variant Classification Scheme 2023. Collection method: clinical testing. Allele origin: germline.
Comment: The p.S44F variant (also known as c.131C>T), located in coding exon 2 of the MPZ gene, results from a C to T substitution at nucleotide position 131. The serine at codon 44 is replaced by phenylalanine, an amino acid with highly dissimilar properties. This variant has been detected in multiple individuals with Charcot-Marie-Tooth disease and reportedly segregates with disease in multiple families (Marrosu MG et al. Neurology, 1998 May;50:1397-401; Benedetti S et al. Arch Neurol, 2010 Dec;67:1498-505; Gagliardi S et al. Br J Dermatol, 2017 07;177:284-286; Sanmaneechai O et al. Brain, 2015 Nov;138:3180-92; Lorefice L et al. Neurol Sci, 2017 Jun;38:1019-1025). Functional studies suggest that this variant may reduce cell adhesiveness in vitro (Lee YC et al. J Neurol, 2010 Oct;257:1661-8). This variant was not reported in population-based cohorts in the Genome Aggregation Database (gnomAD). Based on the supporting evidence, this alteration is interpreted as a disease-causing mutation.

Institute of Medical Genetics and Applied Genomics, University Hospital Tübingen
Classification: Pathogenic. Last evaluated: 2020-10-23. Review status: criteria provided, single submitter. Criteria: ACMG Guidelines, 2015. Collection method: clinical testing. Allele origin: germline. Inheritance: Unknown mechanism. Affected: yes.

CeGaT Center for Human Genetics Tuebingen
Classification: Pathogenic. Last evaluated: 2018-08-01. Review status: criteria provided, single submitter. Criteria: CeGaT Center For Human Genetics Tuebingen Variant Classification Criteria Version 2. Collection method: clinical testing. Allele origin: germline. Affected: yes. Observed: 1 variant allele.

Molecular Genetics Laboratory, London Health Sciences Centre
Classification: Pathogenic for Charcot-Marie-Tooth disease. Review status: criteria provided, single submitter. Criteria: ACMG Guidelines, 2015. Collection method: clinical testing. Allele origin: germline. Affected: yes.

OMIM
Classification: Pathogenic for CHARCOT-MARIE-TOOTH DISEASE, TYPE 2I. Last evaluated: 1998-05-01. Review status: no assertion criteria provided. Collection method: literature only. Allele origin: germline. Not counted in ClinVar's aggregate classification.

GeneReviews
No classification provided. Condition: Charcot-Marie-Tooth disease type 1B. Review status: no classification provided. Collection method: literature only. Allele origin: germline. Affected: yes. Not counted in ClinVar's aggregate classification.

Inherited Neuropathy Consortium
Classification: Uncertain significance for Charcot-Marie-Tooth disease. Review status: no assertion criteria provided. Collection method: literature only. Allele origin: germline. Affected: yes. Not counted in ClinVar's aggregate classification.

Literature cited by the submitters: PubMed 9595994 (cited by 4 submitters); PubMed 21149811 (cited by Labcorp Genetics (formerly Invitae), Labcorp and Ambry Genetics); PubMed 26310628 (cited by Labcorp Genetics (formerly Invitae), Labcorp and Ambry Genetics); PubMed 27639257 (cited by Labcorp Genetics (formerly Invitae), Labcorp and Ambry Genetics); PubMed 28286897 (cited by Labcorp Genetics (formerly Invitae), Labcorp and Ambry Genetics); PubMed 20461396 (cited by Labcorp Genetics (formerly Invitae), Labcorp and Ambry Genetics); NCBI Bookshelf NBK1205 (cited by GeneReviews).

NM_000530.8(MPZ):c.131C>T (p.Ser44Phe)

Gene: MPZ (myelin protein zero; minus strand). Cytogenetic location: 1q23.3.
Variant type: single nucleotide variant.
Coding change: c.131C>T on transcript NM_000530.8 (MANE Select); coding-DNA position 131, C replaced by T.
Protein change: p.Ser44Phe; replaces serine 44 with phenylalanine.
Molecular consequence: missense variant.
Genome position (GRCh38, 1-based): chr1:161,307,361, G>A on the plus strand (C>T on the coding strand, the complement: MPZ is on the minus strand). VCF-style: chr1-161307361-G-A. GRCh37 (hg19) VCF-style: chr1-161277151-G-A.
Other names: c.131C>T, p.Ser44Phe (LRG_256t1, NM_001315491.2); short protein forms S44F.
Identifiers: ClinVar variation 14185 (VCV000014185.57), dbSNP rs121913598, ClinGen allele CA257162.